The following is an entry in ClinVar:

NM_006709.5(EHMT2):c.328+2T>G

Gene: EHMT2 (euchromatic histone lysine methyltransferase 2; minus strand). Cytogenetic location: 6p21.33.
Variant type: single nucleotide variant.
Coding change: c.328+2T>G on transcript NM_006709.5 (MANE Select); the canonical splice donor site of the intron after coding-DNA position 328, T replaced by G.
Molecular consequence: splice donor variant.
Genome position (GRCh38, 1-based): chr6:31,896,604, A>C on the plus strand (T>G on the coding strand, the complement: EHMT2 is on the minus strand). VCF-style: chr6-31896604-A-C. GRCh37 (hg19) VCF-style: chr6-31864381-A-C.
Other names: c.328+2T>G (NM_001395165.1, NM_025256.7, NM_001395163.1 and 4 more transcripts); c.-601+2T>G (NM_001318833.2); c.499+2T>G (NM_001289413.2, NM_001363689.2).
Identifiers: ClinVar variation 4813853 (VCV004813853.1).
Genomic context (GRCh38, chr6:31,896,604, plus strand): 5'-ATAAGAAAGAAGGCAAGAGTCAGAAATTTCCCACCAACCCCCCAGGCTACCCAGCCTCTC[A>C]CCCAGCAGGATCCGGCCCCCACGGAGGTCCCCATCTCCCTCAAGATTCTCAGATTCATCC-3'

ClinVar aggregate classification (germline): Uncertain significance (1 of 4 stars; one submission).

Conditions:
Syndromic neurodevelopmental disorder.

Submission:

Laboratory of Human Genetics, Universidade de São Paulo
Classification: Uncertain significance for syndromic neurodevelopmental disorder. Last evaluated: 2024-05-21. Review status: criteria provided, single submitter. Criteria: ACMG Guidelines, 2015. Collection method: research. Allele origin: germline. Inheritance: Autosomal recessive inheritance. Affected: yes. Observed: 1 variant allele, 1 homozygote.
Comment: The EHMT2 NM_006709.5:c.328+2T>G variant affects a canonical splice donor site. RNA sequencing performed in the patient's blood demonstrated the usage of two alternative cryptic donor splice sites within exon 3, predicted to result in transcripts with either an in-frame or out-of-frame effect on the protein. DNA methylation profiling using the EpiSign assay demonstrated a methylation episignature consistent with Kleefstra syndrome. EHMT2 encodes a histone methyltransferase that forms a functional complex with EHMT1, the gene responsible for Kleefstra syndrome. However, the association between EHMT2 variants and neurodevelopmental disorders has not yet been definitively established, and only a single affected individual has been reported to date (Carvalho et al., 2024; PMID: 39674972). Therefore, this variant is currently classified as a variant of uncertain significance.

Literature cited by the submitters: PubMed 39674972.